The following is an entry in ClinVar:

ClinVar aggregate classification (germline): Uncertain significance (1 of 4 stars; one submission).

Conditions:
Baller-Gerold syndrome (BGS). Also called: CRANIOSYNOSTOSIS WITH RADIAL DEFECTS. Identifiers: Orphanet 1225, MedGen C0265308, MONDO:0009039, OMIM 218600.

Allele frequency attached by ClinVar (database versions not stated): gnomAD exomes below 0.00001.

Submission:

Labcorp Genetics (formerly Invitae), Labcorp
Classification: Uncertain significance for Baller-Gerold syndrome. Last evaluated: 2022-06-13. Review status: criteria provided, single submitter. Criteria: Invitae Variant Classification Sherloc (09022015). Collection method: clinical testing. Allele origin: germline.
Comment: In summary, the available evidence is currently insufficient to determine the role of this variant in disease. Therefore, it has been classified as a Variant of Uncertain Significance. Algorithms developed to predict the effect of missense changes on protein structure and function output the following: SIFT: "Not Available"; PolyPhen-2: "Not Available"; Align-GVGD: "Not Available". The threonine amino acid residue is found in multiple mammalian species, which suggests that this missense change does not adversely affect protein function. ClinVar contains an entry for this variant (Variation ID: 650775). This variant has not been reported in the literature in individuals affected with RECQL4-related conditions. This variant is not present in population databases (gnomAD no frequency). This sequence change replaces alanine, which is neutral and non-polar, with threonine, which is neutral and polar, at codon 68 of the RECQL4 protein (p.Ala68Thr).

NM_004260.4(RECQL4):c.202G>A (p.Ala68Thr)

Gene: RECQL4 (RecQ like helicase 4; minus strand). Cytogenetic location: 8q24.3.
Variant type: single nucleotide variant.
Coding change: c.202G>A on transcript NM_004260.4 (MANE Select); coding-DNA position 202, G replaced by A.
Protein change: p.Ala68Thr; replaces alanine 68 with threonine.
Molecular consequence: missense variant.
Genome position (GRCh38, 1-based): chr8:144,517,425, C>T on the plus strand (G>A on the coding strand, the complement: RECQL4 is on the minus strand). VCF-style: chr8-144517425-C-T. GRCh37 (hg19) VCF-style: chr8-145742809-C-T.
Other names: short protein forms A68T.
Identifiers: ClinVar variation 650775 (VCV000650775.5), dbSNP rs1222240717, ClinGen allele CA372692507.